The following is an entry in ClinVar:

NM_015221.4(DNMBP):c.822G>A (p.Ala274=)

Genes: DNMBP (dynamin binding protein; minus strand), DNMBP-AS1 (DNMBP antisense RNA 1; plus strand). Cytogenetic location: 10q24.2.
Variant type: single nucleotide variant.
Coding change: c.822G>A on transcript NM_015221.4 (MANE Select); coding-DNA position 822, G replaced by A.
Protein change: p.Ala274=; no amino-acid change (alanine 274 retained).
Molecular consequence: synonymous variant.
Genome position (GRCh38, 1-based): chr10:99,956,652, C>T on the plus strand (G>A on the coding strand, the complement: DNMBP is on the minus strand). VCF-style: chr10-99956652-C-T. GRCh37 (hg19) VCF-style: chr10-101716409-C-T.
Other names: c.822G>A (NM_015221.3).
Identifiers: ClinVar variation 2640755 (VCV002640755.25), dbSNP rs369854167, ClinGen allele CA5645317.

ClinVar aggregate classification (germline): Likely benign. Review status: criteria provided, single submitter (1 of 4 stars). 2 submissions from 2 submitters: Likely benign (1). 1 of the submissions does not count toward it. Last evaluated 2022-10-01.

Conditions:
DNMBP-related disorder. Also called: DNMBP-related condition.

Allele frequency attached by ClinVar (database versions not stated): TOPMed 0.00014; ESP Exome Variant Server 0.00015; gnomAD exomes 0.00016; gnomAD 0.00019; ExAC 0.00021; 1000 Genomes Project 0.00040; 1000 Genomes Project 30x 0.00047.
gnomAD v4.1: 266 of 1,613,826 alleles (0.016%); highest among the groups gnomAD compares: Middle Eastern, 0.17%; 1 homozygote.

Submissions (2):

CeGaT Center for Human Genetics Tuebingen
Classification: Likely benign. Last evaluated: 2022-10-01. Review status: criteria provided, single submitter. Criteria: CeGaT Center For Human Genetics Tuebingen Variant Classification Criteria Version 2. Collection method: clinical testing. Allele origin: germline. Affected: yes. Observed: 2 variant alleles.
Comment: DNMBP: BP4, BP7

PreventionGenetics, part of Exact Sciences
Classification: Likely benign for DNMBP-related condition. Last evaluated: 2019-05-08. Review status: no assertion criteria provided. Collection method: clinical testing. Allele origin: germline. Not counted in ClinVar's aggregate classification.
Comment: This variant is classified as likely benign based on ACMG/AMP sequence variant interpretation guidelines (Richards et al. 2015 PMID: 25741868, with internal and published modifications).